The following is an entry in ClinVar:

ClinVar aggregate classification (germline): Uncertain significance (1 of 4 stars; one submission).

Submission:

CeGaT Center for Human Genetics Tuebingen
Classification: Uncertain significance. Last evaluated: 2025-08-01. Review status: criteria provided, single submitter. Criteria: CeGaT Center For Human Genetics Tuebingen Variant Classification Criteria Version 2. Collection method: clinical testing. Allele origin: germline. Affected: yes. Observed: 1 variant allele.
Comment: TNXB: PM2, BP4

NM_001365276.2(TNXB):c.6981G>C (p.Glu2327Asp)

Gene: TNXB (tenascin XB; minus strand). Cytogenetic location: 6p21.33.
Variant type: single nucleotide variant.
Coding change: c.6981G>C on transcript NM_001365276.2 (MANE Select); coding-DNA position 6981, G replaced by C.
Protein change: p.Glu2327Asp; replaces glutamic acid 2327 with aspartic acid.
Molecular consequence: missense variant.
Genome position (GRCh38, 1-based): chr6:32,062,344, C>G on the plus strand (G>C on the coding strand, the complement: TNXB is on the minus strand). VCF-style: chr6-32062344-C-G. GRCh37 (hg19) VCF-style: chr6-32030121-C-G.
Other names: c.7722G>C, p.Glu2574Asp (NM_001428335.1); c.6981G>C, p.Glu2327Asp (NM_019105.8); short protein forms E2327D, E2574D.
Identifiers: ClinVar variation 4085979 (VCV004085979.8).
Genomic context (GRCh38, chr6:32,062,344, plus strand): 5'-TGTTGCCTTGGGCTGCCCATCCCCATTCTTGTACTGGACCAGGAAGTGGTCAAACTGTCC[C>G]TCGGGAACCGTCCAGGACAGGCTGAGGGAGTCAGGGGTCGCATCTGTCACGGTCAGCTCC-3'
Protein context (NP_001352205.1, residues 2317-2337): DSLSLSWTVP[Glu2327Asp]GQFDHFLVQY